The following is an entry in ClinVar:

NM_004370.6(COL12A1):c.2323A>G (p.Arg775Gly)

Gene: COL12A1 (collagen type XII alpha 1 chain; minus strand). Cytogenetic location: 6q13.
Variant type: single nucleotide variant.
Coding change: c.2323A>G on transcript NM_004370.6 (MANE Select); coding-DNA position 2323, A replaced by G.
Protein change: p.Arg775Gly; replaces arginine 775 with glycine.
Molecular consequence: missense variant. On other transcripts: intron variant (1).
Genome position (GRCh38, 1-based): chr6:75,177,777, T>C on the plus strand (A>G on the coding strand, the complement: COL12A1 is on the minus strand). VCF-style: chr6-75177777-T-C. GRCh37 (hg19) VCF-style: chr6-75887493-T-C.
Other names: p.Arg775Gly; c.73+24943A>G (NM_080645.3); short protein forms R775G.
Identifiers: ClinVar variation 656166 (VCV000656166.15), dbSNP rs200167099, ClinGen allele CA3894006.

ClinVar aggregate classification (germline): Conflicting classifications of pathogenicity. Review status: criteria provided, conflicting classifications (1 of 4 stars). 7 submissions from 7 submitters: Uncertain significance (6); Likely benign (1). Last evaluated 2026-01-22.

Conditions:
Inborn genetic diseases. Identifiers: MedGen C0950123, MeSH D030342.
Bethlem myopathy 2 (BTHLM2). Identifiers: Orphanet 536516, Orphanet 610, MedGen C4225313, MONDO:0034022, OMIM 616471.
Ullrich congenital muscular dystrophy 2 (UCMD2). Identifiers: Orphanet 75840, MedGen C4225314, MONDO:0014654, OMIM 616470.

Allele frequency attached by ClinVar (database versions not stated): ExAC 0.00007; gnomAD exomes 0.00013 and 0.00019; gnomAD 0.00007 and 0.00009; ESP Exome Variant Server 0.00017; TOPMed 0.00009.
gnomAD v4.1: 292 of 1,613,976 alleles (0.018%); highest among the groups gnomAD compares: Non-Finnish European, 0.021%; no homozygotes.

Submissions (7):

Labcorp Genetics (formerly Invitae), Labcorp
Classification: Likely benign for Bethlem myopathy 2; Ullrich congenital muscular dystrophy 2. Last evaluated: 2026-01-22. Review status: criteria provided, single submitter. Criteria: Invitae Variant Classification Sherloc (09022015). Collection method: clinical testing. Allele origin: germline.

Women's Health and Genetics/Laboratory Corporation of America, LabCorp
Classification: Uncertain significance. Last evaluated: 2025-10-30. Review status: criteria provided, single submitter. Criteria: LabCorp Variant Classification Summary - May 2015. Collection method: clinical testing. Allele origin: germline.
Comment: Variant summary: COL12A1 c.2323A>G (p.Arg775Gly) results in a non-conservative amino acid change in the encoded protein sequence. Algorithms developed to predict the effect of missense changes on protein structure and function are either unavailable or do not agree on the potential impact of this missense change. The variant allele was found at a frequency of 0.00013 in 249398 control chromosomes. This frequency is not significantly higher than estimated for disease-causing variants in COL12A1, allowing no conclusion about variant significance. To our knowledge, no occurrence of c.2323A>G in individuals affected with COL12A1-related conditions and no experimental evidence demonstrating its impact on protein function have been reported. ClinVar contains an entry for this variant (Variation ID: 656166). Based on the evidence outlined above, the variant was classified as uncertain significance.

Mayo Clinic Laboratories, Mayo Clinic
Classification: Uncertain significance. Last evaluated: 2025-04-10. Review status: criteria provided, single submitter. Criteria: ACMG Guidelines, 2015. Collection method: clinical testing. Allele origin: germline. Observed: 1 variant allele.
Comment: BP4

GeneDx
Classification: Uncertain significance. Last evaluated: 2024-07-18. Review status: criteria provided, single submitter. Criteria: GeneDx Variant Classification Process June 2021. Collection method: clinical testing. Allele origin: germline.
Comment: In silico analysis indicates that this missense variant does not alter protein structure/function; Has not been previously published as pathogenic or benign to our knowledge

Fulgent Genetics
Classification: Uncertain significance for Ullrich congenital muscular dystrophy 2; Bethlem myopathy 2. Last evaluated: 2024-05-09. Review status: criteria provided, single submitter. Criteria: ACMG Guidelines, 2015. Collection method: clinical testing. Allele origin: germline.

Ambry Genetics
Classification: Uncertain significance for Inborn genetic diseases. Last evaluated: 2023-12-31. Review status: criteria provided, single submitter. Criteria: Ambry Variant Classification Scheme 2023. Collection method: clinical testing. Allele origin: germline.

Victorian Clinical Genetics Services, Murdoch Childrens Research Institute
Classification: Uncertain significance for Bethlem myopathy 2. Last evaluated: 2020-05-21. Review status: criteria provided, single submitter. Criteria: ACMG Guidelines, 2015. Collection method: clinical testing. Allele origin: germline. Affected: yes.
Comment: A heterozygous missense variant was identified, NM_004370.5(COL12A1):c.2323A>G in exon 12 of 66 of the COL12A1 gene (NB: This variant is non-coding in an alternative transcript). This substitution is predicted to create a major amino acid change from arginine to glycine at position 775 of the protein, NP_004361.3(COL12A1):p.(Arg775Gly). The arginine at this position has high conservation (100 vertebrates, UCSC), and is located within the Fibronectin type III functional domain. In silico software predicts this variant to be benign (Polyphen, SIFT, CADD, Mutation Taster). The variant is present in the gnomAD population database at a frequency of 0.013% (35 heterozygotes, 0 homozygotes). An alternative residue change at the same location has been reported in the gnomAD database at a frequency of 0.0032%. This variant has not been previously observed in clinical cases. It has been previously reported as a VUS (ClinVar). Based on information available at the time of curation, this variant has been classified as a VARIANT of UNCERTAIN SIGNIFICANCE (VUS) with LOW CLINICAL RELEVANCE. Legend: (P) - Pathogenic, (N) - Neutral, (B) - Benign